The following is an entry in ClinVar:

ClinVar aggregate classification (germline): Pathogenic (1 of 4 stars; one submission).

Conditions:
Neurofibromatosis, type 1 (NF1). Also called: Neurofibromatosis, type I; VON RECKLINGHAUSEN DISEASE; NEUROFIBROMATOSIS, TYPE I, SOMATIC; Peripheral type neurofibromatosis. Identifiers: Orphanet 636, MedGen C0027831, MONDO:0018975, OMIM 162200. Disease mechanism: loss of function.

Submission:

Labcorp Genetics (formerly Invitae), Labcorp
Classification: Pathogenic for Neurofibromatosis, type 1. Last evaluated: 2023-01-16. Review status: criteria provided, single submitter. Criteria: Invitae Variant Classification Sherloc (09022015). Collection method: clinical testing. Allele origin: germline.
Comment: For these reasons, this variant has been classified as Pathogenic. ClinVar contains an entry for this variant (Variation ID: 1459327). This premature translational stop signal has been observed in individual(s) with neurofibromatosis type 1 (PMID: 27999334). This variant is not present in population databases (gnomAD no frequency). This sequence change creates a premature translational stop signal (p.Leu62*) in the NF1 gene. It is expected to result in an absent or disrupted protein product. Loss-of-function variants in NF1 are known to be pathogenic (PMID: 10712197, 23913538).

Literature cited by the submitters: PubMed 27999334; PubMed 10712197; PubMed 23913538.

NM_001042492.3(NF1):c.185del (p.Ile61_Leu62insTer)

Gene: NF1 (neurofibromin 1; plus strand). Cytogenetic location: 17q11.2.
Variant type: Deletion.
Coding change: c.185del on transcript NM_001042492.3 (MANE Select); coding-DNA position 185, one base deleted (T; older notation c.185delT).
Protein change: p.Ile61_Leu62insTer.
Molecular consequence: nonsense. On other transcripts: frameshift variant (1).
Genome position (GRCh38, 1-based): chr17:31,156,107, T deleted; the last of 4 consecutive T bases (chr17:31,156,104-31,156,107); deleting any one gives the same sequence. VCF-style (leftmost placement, unchanged base first): chr17-31156103-AT-A. GRCh37 (hg19) VCF-style: chr17-29483121-AT-A.
Other names: c.185delT, p.Leu62Terfs (NM_000267.4); c.185del, p.Ile61_Leu62insTer (NM_001128147.3).
Identifiers: ClinVar variation 1459327 (VCV001459327.8), dbSNP rs2065657742, ClinGen allele CA2255538773.